The following is an entry in ClinVar:

ClinVar aggregate classification (germline): Uncertain significance. Review status: criteria provided, multiple submitters, no conflicts (2 of 4 stars). 2 submissions from 2 submitters: Uncertain significance (2). Last evaluated 2024-07-26.

Conditions:
Inborn genetic diseases. Identifiers: MedGen C0950123, MeSH D030342.
Glycogen storage disease IXb (GSD9B). Also called: PHOSPHORYLASE KINASE DEFICIENCY OF LIVER AND MUSCLE, AUTOSOMAL RECESSIVE; GLYCOGENOSIS OF LIVER AND MUSCLE, AUTOSOMAL RECESSIVE; GSD IXb. Identifiers: Orphanet 79240, MedGen C0543514, MONDO:0009868, OMIM 261750.

Allele frequency attached by ClinVar (database versions not stated): ExAC 0.00004; gnomAD 0.00007; TOPMed 0.00010; gnomAD exomes 0.00012; ESP Exome Variant Server 0.00023.
gnomAD v4.1: 183 of 1,612,164 alleles (0.011%); highest among the groups gnomAD compares: Non-Finnish European, 0.015%; no homozygotes.

Submissions (2):

Ambry Genetics
Classification: Uncertain significance for Inborn genetic diseases. Last evaluated: 2024-07-26. Review status: criteria provided, single submitter. Criteria: Ambry Variant Classification Scheme 2023. Collection method: clinical testing. Allele origin: germline.

Labcorp Genetics (formerly Invitae), Labcorp
Classification: Uncertain significance for Glycogen storage disease IXb. Last evaluated: 2022-07-18. Review status: criteria provided, single submitter. Criteria: Invitae Variant Classification Sherloc (09022015). Collection method: clinical testing. Allele origin: germline.
Comment: This sequence change replaces threonine, which is neutral and polar, with isoleucine, which is neutral and non-polar, at codon 157 of the PHKB protein (p.Thr157Ile). This variant is present in population databases (rs141208535, gnomAD 0.01%). This variant has not been reported in the literature in individuals affected with PHKB-related conditions. Algorithms developed to predict the effect of missense changes on protein structure and function are either unavailable or do not agree on the potential impact of this missense change (SIFT: "Deleterious"; PolyPhen-2: "Probably Damaging"; Align-GVGD: "Class C0"). In summary, the available evidence is currently insufficient to determine the role of this variant in disease. Therefore, it has been classified as a Variant of Uncertain Significance.

NM_000293.3(PHKB):c.470C>T (p.Thr157Ile)

Gene: PHKB (phosphorylase kinase regulatory subunit beta; plus strand). Cytogenetic location: 16q12.1.
Variant type: single nucleotide variant.
Coding change: c.470C>T on transcript NM_000293.3 (MANE Select); coding-DNA position 470, C replaced by T.
Protein change: p.Thr157Ile; replaces threonine 157 with isoleucine.
Molecular consequence: missense variant.
Genome position (GRCh38, 1-based): chr16:47,511,729, C>T. VCF-style: chr16-47511729-C-T. GRCh37 (hg19) VCF-style: chr16-47545640-C-T.
Other names: c.449C>T, p.Thr150Ile (NM_001031835.3); c.470C>T, p.Thr157Ile (NM_001363837.1); c.470C>T (NM_000293.2); short protein forms T150I, T157I.
Identifiers: ClinVar variation 2201725 (VCV002201725.2), dbSNP rs141208535, ClinGen allele CA8040497.